The following is an entry in ClinVar:

NM_001042492.3(NF1):c.2745del (p.Asn916fs)

Gene: NF1 (neurofibromin 1; plus strand). Cytogenetic location: 17q11.2.
Variant type: Deletion.
Coding change: c.2745del on transcript NM_001042492.3 (MANE Select); coding-DNA position 2745, one base deleted (C; older notation c.2745delC).
Protein change: p.Asn916fs; shifts the reading frame from asparagine 916.
Molecular consequence: frameshift variant.
Genome position (GRCh38, 1-based): chr17:31,229,360, C deleted; the last of 2 consecutive C bases (chr17:31,229,359-31,229,360); deleting either gives the same sequence. VCF-style (leftmost placement, unchanged base first): chr17-31229358-AC-A. GRCh37 (hg19) VCF-style: chr17-29556376-AC-A.
Other names: c.2745delC, p.Asn916Metfs (NM_000267.4); short protein forms N916fs.
Identifiers: ClinVar variation 3722643 (VCV003722643.2).

ClinVar aggregate classification (germline): Pathogenic (1 of 4 stars; one submission).

Conditions:
Neurofibromatosis, type 1 (NF1). Also called: VON RECKLINGHAUSEN DISEASE; NEUROFIBROMATOSIS, TYPE I, SOMATIC; Peripheral type neurofibromatosis; Neurofibromatosis, type I. Identifiers: Orphanet 636, MedGen C0027831, MONDO:0018975, OMIM 162200. Disease mechanism: loss of function.

Submission:

Labcorp Genetics (formerly Invitae), Labcorp
Classification: Pathogenic for Neurofibromatosis, type 1. Last evaluated: 2024-10-02. Review status: criteria provided, single submitter. Criteria: Invitae Variant Classification Sherloc (09022015). Collection method: clinical testing. Allele origin: germline.
Comment: This sequence change creates a premature translational stop signal (p.Asn916Metfs*8) in the NF1 gene. It is expected to result in an absent or disrupted protein product. Loss-of-function variants in NF1 are known to be pathogenic (PMID: 10712197, 23913538). This variant is not present in population databases (gnomAD no frequency). This variant has not been reported in the literature in individuals affected with NF1-related conditions. For these reasons, this variant has been classified as Pathogenic.

Literature cited by the submitters: PubMed 10712197; PubMed 23913538.